The following is an entry in ClinVar:

NM_014946.4(SPAST):c.1334G>C (p.Ser445Thr)

Gene: SPAST (spastin; plus strand). Cytogenetic location: 2p22.3.
Variant type: single nucleotide variant.
Coding change: c.1334G>C on transcript NM_014946.4 (MANE Select); coding-DNA position 1334, G replaced by C.
Protein change: p.Ser445Thr; replaces serine 445 with threonine.
Molecular consequence: missense variant.
Genome position (GRCh38, 1-based): chr2:32,136,889, G>C. VCF-style: chr2-32136889-G-C. GRCh37 (hg19) VCF-style: chr2-32361958-G-C.
Other names: c.1331G>C, p.Ser444Thr (NM_001363823.2); c.1235G>C, p.Ser412Thr (NM_001363875.2); c.1238G>C, p.Ser413Thr (NM_001377959.1, NM_199436.2); short protein forms S445T, S412T, S413T, S444T.
Identifiers: ClinVar variation 430223 (VCV000430223.2), dbSNP rs1131691838, ClinGen allele CA346502186.

ClinVar aggregate classification (germline): Likely pathogenic (1 of 4 stars; one submission).

Submission:

GeneDx
Classification: Likely pathogenic. Last evaluated: 2015-11-09. Review status: criteria provided, single submitter. Criteria: GeneDx Variant Classification (06012015). Collection method: clinical testing. Allele origin: germline. Affected: yes.
Comment: The S445T variant in the SPAST gene has not been reported previously as a pathogenic variant, nor as a benign variant, to our knowledge. The S445T variant was not observed in approximately 6500 individuals of European and African American ancestry in the NHLBI Exome Sequencing Project, indicating it is not a common benign variant in these populations. The S445T variant is a conservative amino acid substitution, which occurs at a position that is conserved across species. In silico analysis predicts this variant is probably damaging to the protein structure/function. Missense variants at this and nearby residues (E442A, D444E, S445N, S445R, L447V) have been reported in the Human Gene Mutation Database in association with spastic paraplegia (Stenson et al., 2014), supporting the functional importance of this region of the protein. The S445T variant is a strong candidate for a pathogenic variant.